The following is an entry in ClinVar:

NM_025179.4(PLXNA2):c.5080G>C (p.Asp1694His)

Gene: PLXNA2 (plexin A2; minus strand). Cytogenetic location: 1q32.2.
Variant type: single nucleotide variant.
Coding change: c.5080G>C on transcript NM_025179.4 (MANE Select); coding-DNA position 5080, G replaced by C.
Protein change: p.Asp1694His; replaces aspartic acid 1694 with histidine.
Molecular consequence: missense variant.
Genome position (GRCh38, 1-based): chr1:208,031,735, C>G on the plus strand (G>C on the coding strand, the complement: PLXNA2 is on the minus strand). VCF-style: chr1-208031735-C-G. GRCh37 (hg19) VCF-style: chr1-208205080-C-G.
Other names: short protein forms D1694H.
Identifiers: ClinVar variation 4999099 (VCV004999099.1).
Genomic context (GRCh38, chr1:208,031,735, plus strand): 5'-TGATGGCCAGGGGGAGAGCGCTGCCCCGGTGCACAGTGCTGAACAAGGTCTCAAACAAGT[C>G]GTCCACAAACTTCTGCAGGGTGCCCTGGAGGAGGGGTGGGGGAGAGTAAGATGGAGGGGG-3'
Protein context (NP_079455.3, residues 1684-1704): TKGTLQKFVD[Asp1694His]LFETLFSTVH

ClinVar aggregate classification (germline): Uncertain significance (1 of 4 stars; one submission).

Conditions:
PLXNA2-related disorder. Also called: PLXNA2-related condition.

gnomAD v4.1: 4 of 1,606,962 alleles (0.00025%); highest among the groups gnomAD compares: Non-Finnish European, 0.00034%; no homozygotes.

Submission:

PreventionGenetics, part of Exact Sciences
Classification: Uncertain significance for PLXNA2-related condition. Last evaluated: 2026-02-06. Review status: criteria provided, single submitter. Criteria: ACMG Guidelines, 2015. Collection method: clinical testing. Allele origin: germline.
Comment: The PLXNA2 c.5080G>C variant is predicted to result in the amino acid substitution p.Asp1694His. To our knowledge, this variant has not been reported in the literature. This variant is reported in 0.00089% of alleles in individuals of European (Non-Finnish) descent in gnomAD. At this time, the clinical significance of this variant is uncertain due to the absence of conclusive functional and genetic evidence.